The following is an entry in ClinVar:

NC_000008.10:g.(100155394_100160068)_(100168972_100182266)del

Gene: VPS13B (vacuolar protein sorting 13 homolog B; plus strand). Cytogenetic location: 8q22.2.
Variant type: Deletion.
Identifiers: ClinVar variation 1343685 (VCV001343685.1).

ClinVar aggregate classification (germline): Likely pathogenic (1 of 4 stars; one submission).

Conditions:
Cohen syndrome (COH1). Also called: Cutis verticis gyrata, retinitis pigmentosa, and sensorineural deafness; PEPPER SYNDROME. Identifiers: Orphanet 193, MedGen C0265223, MONDO:0008999, OMIM 216550.

Submission:

Women's Health and Genetics/Laboratory Corporation of America, LabCorp
Classification: Likely pathogenic for Cohen syndrome. Last evaluated: 2022-02-11. Review status: criteria provided, single submitter. Criteria: LabCorp Variant Classification Summary - May 2015. Collection method: clinical testing. Allele origin: germline.
Comment: Variant summary: The variant identified by MLPA or other technology involves the deletion of exons 14-15 in the VPS13B gene. A presumed nomenclature of c.(1843+1_1844-1)_(2208+1_2209-1)del has been designated for the purposes of this classification. Although exact breakpoints of this deletion are not known, it is expected to result in a frameshift deletion change in the VPS13B gene, a known mechanism of disease. The variant was absent in 21694 control chromosomes (gnomAD, Structural Variants dataset). To our knowledge, no occurrence of c.(1843+1_1844-1)_(2208+1_2209-1)del in individuals affected with Cohen Syndrome and no experimental evidence demonstrating its impact on protein function have been reported. No clinical diagnostic laboratories have submitted clinical-significance assessments for this variant to ClinVar after 2014. Based on the evidence outlined above, the variant was classified as likely pathogenic.